The following is an entry in ClinVar:

NM_001354604.2(MITF):c.1420C>G (p.Pro474Ala)

Gene: MITF (melanocyte inducing transcription factor; plus strand). Cytogenetic location: 3p13.
Variant type: single nucleotide variant.
Coding change: c.1420C>G on transcript NM_001354604.2 (MANE Select); coding-DNA position 1420, C replaced by G.
Protein change: p.Pro474Ala; replaces proline 474 with alanine.
Molecular consequence: missense variant.
Genome position (GRCh38, 1-based): chr3:69,965,087, C>G. VCF-style: chr3-69965087-C-G. GRCh37 (hg19) VCF-style: chr3-70014238-C-G.
Other names: c.1099C>G, p.Pro367Ala (NM_000248.4); c.1246C>G, p.Pro416Ala (NM_001184967.2, NM_001354608.2); c.1417C>G, p.Pro473Ala (NM_001354605.2); c.1399C>G, p.Pro467Ala (NM_001354606.2, NM_006722.3); c.1351C>G, p.Pro451Ala (NM_001354607.2); c.1081C>G, p.Pro361Ala (NM_198158.3); c.1402C>G, p.Pro468Ala (NM_198159.3); c.1354C>G, p.Pro452Ala (NM_198177.3); and 1 more; short protein forms P305A, P361A, P367A, P416A, P451A, P452A, P467A, P468A.
Identifiers: ClinVar variation 4860062 (VCV004860062.1).

ClinVar aggregate classification (germline): Uncertain significance (1 of 4 stars; one submission).

Conditions:
Hereditary cancer-predisposing syndrome. Also called: Neoplastic Syndromes, Hereditary; Tumor predisposition; Hereditary Cancer Syndrome; Hereditary neoplastic syndrome. Identifiers: Orphanet 140162, MedGen C0027672, MeSH D009386, MONDO:0015356.

Submission:

Ambry Genetics
Classification: Uncertain significance for Hereditary cancer-predisposing syndrome. Last evaluated: 2026-04-24. Review status: criteria provided, single submitter. Criteria: Ambry Variant Classification Scheme 2023. Collection method: clinical testing. Allele origin: germline.
Comment: The p.P367A variant (also known as c.1099C>G), located in coding exon 9 of the MITF gene, results from a C to G substitution at nucleotide position 1099. The proline at codon 367 is replaced by alanine, an amino acid with highly similar properties. This amino acid position is conserved. In addition, this alteration is predicted to be tolerated by in silico analysis. Based on the available evidence, the clinical significance of this variant remains unclear.